The following is an entry in ClinVar:

ClinVar aggregate classification (germline): Uncertain significance (1 of 4 stars; one submission).

Conditions:
Ethylmalonic encephalopathy (EE). Also called: EPEMA syndrome; Encephalopathy, petechiae, and ethylmalonic aciduria; Syndrome of encephalopathy, petechiae, and ethylmalonic aciduria. Identifiers: Orphanet 51188, MedGen C1865349, MONDO:0011229, OMIM 602473. Disease mechanism: loss of function.

Allele frequency attached by ClinVar (database versions not stated): gnomAD 0.00001; gnomAD exomes 0.00001; TOPMed 0.00002.

Submission:

Labcorp Genetics (formerly Invitae), Labcorp
Classification: Uncertain significance for Ethylmalonic encephalopathy. Last evaluated: 2024-10-14. Review status: criteria provided, single submitter. Criteria: Invitae Variant Classification Sherloc (09022015). Collection method: clinical testing. Allele origin: germline.
Comment: This variant occurs in a non-coding region of the ETHE1 gene. It does not change the encoded amino acid sequence of the ETHE1 protein. This variant is not present in population databases (gnomAD no frequency). This variant has not been reported in the literature in individuals affected with ETHE1-related conditions. Experimental studies and prediction algorithms are not available or were not evaluated, and the functional significance of this variant is currently unknown. In summary, the available evidence is currently insufficient to determine the role of this variant in disease. Therefore, it has been classified as a Variant of Uncertain Significance.

NC_000019.10:g.43527257G>A

Genes: ETHE1 (ETHE1 persulfide dioxygenase; minus strand), LOC130064595 (ATAC-STARR-seq lymphoblastoid silent region 10721; plus strand). Cytogenetic location: 19q13.31.
Variant type: single nucleotide variant.
Genome position: GRCh38 VCF-style: chr19-43527257-G-A. GRCh37 (hg19) VCF-style: chr19-44031409-G-A.
Identifiers: ClinVar variation 1496914 (VCV001496914.7), dbSNP rs1031575408, ClinGen allele CA308754785.